The following is an entry in ClinVar:

ClinVar aggregate classification (germline): Uncertain significance (1 of 4 stars; one submission).

Allele frequency attached by ClinVar (database versions not stated): gnomAD exomes below 0.00001.

Submission:

Labcorp Genetics (formerly Invitae), Labcorp
Classification: Uncertain significance. Last evaluated: 2022-02-04. Review status: criteria provided, single submitter. Criteria: Invitae Variant Classification Sherloc (09022015). Collection method: clinical testing. Allele origin: germline.
Comment: In summary, the available evidence is currently insufficient to determine the role of this variant in disease. Therefore, it has been classified as a Variant of Uncertain Significance. Algorithms developed to predict the effect of missense changes on protein structure and function output the following: SIFT: "Deleterious"; PolyPhen-2: "Benign"; Align-GVGD: "Class C0". The leucine amino acid residue is found in multiple mammalian species, which suggests that this missense change does not adversely affect protein function. This variant has not been reported in the literature in individuals affected with CNGA1-related conditions. This variant is present in population databases (no rsID available, gnomAD 0.0009%). This sequence change replaces proline, which is neutral and non-polar, with leucine, which is neutral and non-polar, at codon 76 of the CNGA1 protein (p.Pro76Leu).

NM_001379270.1(CNGA1):c.215C>T (p.Pro72Leu)

Genes: CNGA1 (cyclic nucleotide gated channel subunit alpha 1; minus strand), LOC101927157 (uncharacterized LOC101927157; plus strand). Cytogenetic location: 4p12.
Variant type: single nucleotide variant.
Coding change: c.215C>T on transcript NM_001379270.1 (MANE Select); coding-DNA position 215, C replaced by T.
Protein change: p.Pro72Leu; replaces proline 72 with leucine.
Molecular consequence: missense variant.
Genome position (GRCh38, 1-based): chr4:47,951,362, G>A on the plus strand (C>T on the coding strand, the complement: CNGA1 is on the minus strand). VCF-style: chr4-47951362-G-A. GRCh37 (hg19) VCF-style: chr4-47953379-G-A.
Other names: c.215C>T, p.Pro72Leu (NM_000087.5, NM_001142564.2); short protein forms P72L.
Identifiers: ClinVar variation 1465891 (VCV001465891.6), dbSNP rs1369941342, ClinGen allele CA356834946.